The following is an entry in ClinVar:

ClinVar aggregate classification (germline): Likely pathogenic (1 of 4 stars; one submission).

Conditions:
Primary ciliary dyskinesia 13. Also called: CILIARY DYSKINESIA, PRIMARY, 13, WITH OR WITHOUT SITUS INVERSUS. Identifiers: Orphanet 244, MedGen C2750790, MONDO:0013174, OMIM 613193.

gnomAD v4.1: 1 of 1,547,128 alleles (0.000065%); no homozygotes.

Submission:

3billion
Classification: Likely pathogenic for Primary ciliary dyskinesia 13. Last evaluated: 2025-10-04. Review status: criteria provided, single submitter. Criteria: ACMG Guidelines, 2015. Collection method: clinical testing. Allele origin: germline. Affected: yes.
Comment: The variant is observed at an extremely low frequency in the gnomAD v4.1.0 dataset (total allele frequency: <0.001%). Predicted Consequence/Location: Canonical splice site: predicted to alter splicing and result in a loss or disruption of normal protein function. Multiple pathogenic loss-of-function variants are reported downstream of the variant. In silico tools predict the variant to alter splicing and produce an abnormal transcript [SpliceAI: 0.90 (spliceogenicity >=0.2, non-spliceogenicity <0.1)]. Therefore, this variant is classified as Likely pathogenic according to the recommendation of ACMG/AMP guideline.

NM_178452.6(DNAAF1):c.124+1G>A

Gene: DNAAF1 (dynein axonemal assembly factor 1; plus strand). Cytogenetic location: 16q24.1.
Variant type: single nucleotide variant.
Coding change: c.124+1G>A on transcript NM_178452.6 (MANE Select); the canonical splice donor site of the intron after coding-DNA position 124, G replaced by A.
Molecular consequence: splice donor variant.
Genome position (GRCh38, 1-based): chr16:84,145,565, G>A. VCF-style: chr16-84145565-G-A. GRCh37 (hg19) VCF-style: chr16-84179170-G-A.
Identifiers: ClinVar variation 4855137 (VCV004855137.1).
Genomic context (GRCh38, chr16:84,145,565, plus strand): 5'-CCGGCGTGGAGGAGTCTGCGGGTGACCACGGGAGCGCAGGCCGAGGGGGCTGCAAGGAAG[G>A]TGCCGACTGCCCCCCAGGGAGGGCGGTGGGCGAGGGGCAGACACGGCTAGGCGCTCCAGC-3'